The following is an entry in ClinVar:

NM_001211.6(BUB1B):c.565C>G (p.Leu189Val)

Gene: BUB1B (BUB1 mitotic checkpoint serine/threonine kinase B; plus strand). Cytogenetic location: 15q15.1.
Variant type: single nucleotide variant.
Coding change: c.565C>G on transcript NM_001211.6 (MANE Select); coding-DNA position 565, C replaced by G.
Protein change: p.Leu189Val; replaces leucine 189 with valine.
Molecular consequence: missense variant.
Genome position (GRCh38, 1-based): chr15:40,176,657, C>G. VCF-style: chr15-40176657-C-G. GRCh37 (hg19) VCF-style: chr15-40468858-C-G.
Other names: short protein forms L189V.
Identifiers: ClinVar variation 4216937 (VCV004216937.1).

ClinVar aggregate classification (germline): Uncertain significance (1 of 4 stars; one submission).

Conditions:
Inborn genetic diseases. Identifiers: MedGen C0950123, MeSH D030342.

Submission:

Ambry Genetics
Classification: Uncertain significance for Inborn genetic diseases. Last evaluated: 2025-07-01. Review status: criteria provided, single submitter. Criteria: Ambry Variant Classification Scheme 2023. Collection method: clinical testing. Allele origin: germline.
Comment: The p.L189V variant (also known as c.565C>G), located in coding exon 5 of the BUB1B gene, results from a C to G substitution at nucleotide position 565. The leucine at codon 189 is replaced by valine, an amino acid with highly similar properties. This amino acid position is conserved. In addition, this alteration is predicted to be deleterious by in silico analysis. Based on the available evidence, the clinical significance of this variant remains unclear.